The following is an entry in ClinVar:

NM_001397346.1(TPRX1):c.771G>A (p.Pro257=)

Gene: TPRX1 (tetrapeptide repeat homeobox 1; minus strand). Cytogenetic location: 19q13.33.
Variant type: single nucleotide variant.
Coding change: c.771G>A on transcript NM_001397346.1 (MANE Select); coding-DNA position 771, G replaced by A.
Protein change: p.Pro257=; no amino-acid change (proline 257 retained).
Molecular consequence: synonymous variant.
Genome position (GRCh38, 1-based): chr19:47,802,405, C>T on the plus strand (G>A on the coding strand, the complement: TPRX1 is on the minus strand). VCF-style: chr19-47802405-C-T. GRCh37 (hg19) VCF-style: chr19-48305662-C-T.
Other names: c.897G>A, p.Pro299= (NM_198479.3).
Identifiers: ClinVar variation 3388167 (VCV003388167.14).

ClinVar aggregate classification (germline): Likely benign (1 of 4 stars; one submission).

Submission:

CeGaT Center for Human Genetics Tuebingen
Classification: Likely benign. Last evaluated: 2025-12-01. Review status: criteria provided, single submitter. Criteria: CeGaT Center For Human Genetics Tuebingen Variant Classification Criteria Version 2. Collection method: clinical testing. Allele origin: germline. Affected: yes. Observed: 2 variant alleles.
Comment: TPRX1: BP4, BP7